The following is an entry in ClinVar:

ClinVar aggregate classification (germline): Pathogenic. Review status: criteria provided, multiple submitters, no conflicts (2 of 4 stars). 2 submissions from 2 submitters: Pathogenic (2). Last evaluated 2023-05-04.

Conditions:
Hereditary cancer-predisposing syndrome. Also called: Neoplastic Syndromes, Hereditary; Tumor predisposition; Hereditary Cancer Syndrome; Hereditary neoplastic syndrome. Identifiers: Orphanet 140162, MedGen C0027672, MeSH D009386, MONDO:0015356.
Familial adenomatous polyposis 1 (FAP1). Also called: FAMILIAL ADENOMATOUS POLYPOSIS 1, ATTENUATED; POLYPOSIS, ADENOMATOUS INTESTINAL. Identifiers: MedGen C2713442, MONDO:0021056, OMIM 175100. Disease mechanism: loss of function.

Submissions (2):

Myriad Genetics, Inc.
Classification: Pathogenic for Familial adenomatous polyposis 1. Last evaluated: 2023-05-04. Review status: criteria provided, single submitter. Criteria: Myriad Autosomal Dominant, Autosomal Recessive and X-Linked Classification Criteria (2023). Collection method: clinical testing. Allele origin: unknown.
Comment: This variant is considered pathogenic. This variant creates a termination codon and is predicted to result in premature protein truncation.

Ambry Genetics
Classification: Pathogenic for Hereditary cancer-predisposing syndrome. Last evaluated: 2014-08-25. Review status: criteria provided, single submitter. Criteria: Ambry Variant Classification Scheme 2023. Collection method: clinical testing. Allele origin: germline.
Comment: The p.S747* pathogenic mutation (also known as c.2240C>A) located in coding exon 15 of the APC gene, results from a C to A substitution at nucleotide position 2240. This changes the amino acid from a serine to a stop codon within coding exon 15. Since premature stop codons are typically deleterious in nature, this alteration is interpreted as a disease-causing mutation (ACMG Recommendations for Standards for Interpretation and Reporting of Sequence Variations. Revision 2007. Genet Med. 2008;10:294).

NM_000038.6(APC):c.2240C>A (p.Ser747Ter)

Gene: APC (APC regulator of Wnt signaling pathway; plus strand). Cytogenetic location: 5q22.2.
Variant type: single nucleotide variant.
Coding change: c.2240C>A on transcript NM_000038.6 (MANE Select); coding-DNA position 2240, C replaced by A.
Protein change: p.Ser747Ter; replaces serine 747 with a stop codon.
Molecular consequence: nonsense.
Genome position (GRCh38, 1-based): chr5:112,837,834, C>A. VCF-style: chr5-112837834-C-A. GRCh37 (hg19) VCF-style: chr5-112173531-C-A.
Other names: c.1991C>A, p.Ser664Ter (NM_001407457.1, NM_001407454.1, NM_001407455.1 and 1 more transcripts); c.1937C>A, p.Ser646Ter (NM_001407458.1, NM_001407459.1, NM_001407460.1 and 1 more transcripts); c.1853C>A, p.Ser618Ter (NM_001407467.1, NM_001407469.1); c.2240C>A, p.Ser747Ter (NM_001127510.3, NM_001354895.2, NM_001407450.1); c.1391C>A, p.Ser464Ter (NM_001407470.1, NM_001354906.2); c.2186C>A, p.Ser729Ter (NM_001127511.3); c.1088C>A, p.Ser363Ter (NM_001407471.1, NM_001407472.1); c.2294C>A, p.Ser765Ter (NM_001354896.2, NM_001407447.1, NM_001407448.1 and 1 more transcripts); and 11 more; short protein forms S688*, S618*, S737*, S740*, S747*, S363*, S664*, S706*.
Identifiers: ClinVar variation 1788273 (VCV001788273.4), dbSNP rs773020689, ClinGen allele CA16026240.